The following is an entry in ClinVar:

ClinVar aggregate classification (germline): Uncertain significance (1 of 4 stars; one submission).

Submission:

Labcorp Genetics (formerly Invitae), Labcorp
Classification: Uncertain significance. Last evaluated: 2022-09-24. Review status: criteria provided, single submitter. Criteria: Invitae Variant Classification Sherloc (09022015). Collection method: clinical testing. Allele origin: germline.
Comment: In summary, the available evidence is currently insufficient to determine the role of this variant in disease. Therefore, it has been classified as a Variant of Uncertain Significance. Algorithms developed to predict the effect of sequence changes on RNA splicing suggest that this variant may create or strengthen a splice site. Advanced modeling of protein sequence and biophysical properties (such as structural, functional, and spatial information, amino acid conservation, physicochemical variation, residue mobility, and thermodynamic stability) performed at Invitae indicates that this missense variant is expected to disrupt C1S protein function. This variant has not been reported in the literature in individuals affected with C1S-related conditions. This variant is not present in population databases (gnomAD no frequency). This sequence change replaces glycine, which is neutral and non-polar, with valine, which is neutral and non-polar, at codon 624 of the C1S protein (p.Gly624Val).

NM_001734.5(C1S):c.1871G>T (p.Gly624Val)

Gene: C1S (complement C1s; plus strand). Cytogenetic location: 12p13.31.
Variant type: single nucleotide variant.
Coding change: c.1871G>T on transcript NM_001734.5 (MANE Select); coding-DNA position 1871, G replaced by T.
Protein change: p.Gly624Val; replaces glycine 624 with valine.
Molecular consequence: missense variant.
Genome position (GRCh38, 1-based): chr12:7,070,455, G>T. VCF-style: chr12-7070455-G-T. GRCh37 (hg19) VCF-style: chr12-7177759-G-T.
Other names: c.1370G>T, p.Gly457Val (NM_001346850.2); c.1871G>T, p.Gly624Val (NM_201442.4); short protein forms G624V, G457V.
Identifiers: ClinVar variation 1898121 (VCV001898121.5), dbSNP rs1565625171, ClinGen allele CA383707684.